The following is an entry in ClinVar:

ClinVar aggregate classification (germline): Uncertain significance (1 of 4 stars; one submission).

Conditions:
Facioscapulohumeral muscular dystrophy 2 (FSHD2). Also called: MUSCULAR DYSTROPHY, FACIOSCAPULOHUMERAL, TYPE 1B; FACIOSCAPULOHUMERAL MUSCULAR DYSTROPHY 2, DIGENIC; FSHD2, DIGENIC. Identifiers: Orphanet 269, MedGen C1834671, MONDO:0008031, OMIM 158901.

Submission:

Labcorp Genetics (formerly Invitae), Labcorp
Classification: Uncertain significance for Facioscapulohumeral muscular dystrophy 2. Last evaluated: 2025-09-26. Review status: criteria provided, single submitter. Criteria: Invitae Variant Classification Sherloc (09022015). Collection method: clinical testing. Allele origin: germline.
Comment: This sequence change replaces proline, which is neutral and non-polar, with serine, which is neutral and polar, at codon 1188 of the SMCHD1 protein (p.Pro1188Ser). This variant is not present in population databases (gnomAD no frequency). This variant has not been reported in the literature in individuals affected with SMCHD1-related conditions. Invitae Evidence Modeling of protein sequence and biophysical properties (such as structural, functional, and spatial information, amino acid conservation, physicochemical variation, residue mobility, and thermodynamic stability) indicates that this missense variant is not expected to disrupt SMCHD1 protein function with a negative predictive value of 80%. In summary, the available evidence is currently insufficient to determine the role of this variant in disease. Therefore, it has been classified as a Variant of Uncertain Significance.

NM_015295.3(SMCHD1):c.3562C>T (p.Pro1188Ser)

Gene: SMCHD1 (structural maintenance of chromosomes flexible hinge domain containing 1; plus strand). Cytogenetic location: 18p11.32.
Variant type: single nucleotide variant.
Coding change: c.3562C>T on transcript NM_015295.3 (MANE Select); coding-DNA position 3562, C replaced by T.
Protein change: p.Pro1188Ser; replaces proline 1188 with serine.
Molecular consequence: missense variant.
Genome position (GRCh38, 1-based): chr18:2,740,750, C>T. VCF-style: chr18-2740750-C-T. GRCh37 (hg19) VCF-style: chr18-2740748-C-T.
Other names: short protein forms P1188S.
Identifiers: ClinVar variation 4762165 (VCV004762165.1).
Genomic context (GRCh38, chr18:2,740,750, plus strand): 5'-CCCCCTTTTTTAGTTATAATAATTACAGATCAGTACGGAAATCAGATTCAAGCATTTTCA[C>T]CAAGTTCTTTATCTTCTTTGTCAATTGCTGGGGTTGGACTTGATAGCTCAAATTTGAAAA-3'
Protein context (NP_056110.2, residues 1178-1198): QYGNQIQAFS[Pro1188Ser]SSLSSLSIAG